The following is an entry in ClinVar:

ClinVar aggregate classification (germline): Uncertain significance. Review status: criteria provided, multiple submitters, no conflicts (2 of 4 stars). 4 submissions from 4 submitters: Uncertain significance (4). Last evaluated 2025-04-21.

Conditions:
Hereditary cancer-predisposing syndrome. Also called: Neoplastic Syndromes, Hereditary; Tumor predisposition; Hereditary neoplastic syndrome; Hereditary Cancer Syndrome. Identifiers: Orphanet 140162, MedGen C0027672, MeSH D009386, MONDO:0015356.
Retinoblastoma (RB1). Also called: RETINOBLASTOMA, SOMATIC. Identifiers: Orphanet 790, MedGen C0035335, MeSH D012175, MONDO:0008380, OMIM 180200, HP:0009919. Disease mechanism: loss of function. Inheritance: Both sporadic and heritable forms are tested..

Submissions (4):

Labcorp Genetics (formerly Invitae), Labcorp
Classification: Uncertain significance for Retinoblastoma. Last evaluated: 2025-04-21. Review status: criteria provided, single submitter. Criteria: Invitae Variant Classification Sherloc (09022015). Collection method: clinical testing. Allele origin: germline.
Comment: This sequence change replaces glycine, which is neutral and non-polar, with arginine, which is basic and polar, at codon 840 of the RB1 protein (p.Gly840Arg). This variant is not present in population databases (gnomAD no frequency). This variant has not been reported in the literature in individuals affected with RB1-related conditions. ClinVar contains an entry for this variant (Variation ID: 837445). An algorithm developed to predict the effect of missense changes on protein structure and function (PolyPhen-2) suggests that this variant is likely to be disruptive. In summary, the available evidence is currently insufficient to determine the role of this variant in disease. Therefore, it has been classified as a Variant of Uncertain Significance.

Ambry Genetics
Classification: Uncertain significance for Hereditary cancer-predisposing syndrome. Last evaluated: 2024-09-06. Review status: criteria provided, single submitter. Criteria: Ambry Variant Classification Scheme 2023. Collection method: clinical testing. Allele origin: germline.
Comment: The p.G840R variant (also known as c.2518G>C), located in coding exon 24 of the RB1 gene, results from a G to C substitution at nucleotide position 2518. The glycine at codon 840 is replaced by arginine, an amino acid with dissimilar properties. This amino acid position is highly conserved in available vertebrate species. In addition, this alteration is predicted to be deleterious by in silico analysis. Since supporting evidence is limited at this time, the clinical significance of this alteration remains unclear.

All of Us Research Program, National Institutes of Health
Classification: Uncertain significance for Retinoblastoma. Last evaluated: 2023-11-20. Review status: criteria provided, single submitter. Criteria: ACMG Guidelines, 2015. Collection method: clinical testing. Allele origin: germline. Inheritance: Autosomal dominant inheritance. Observed: 1 variant allele, 1 heterozygote.
Comment: This missense variant replaces glycine with arginine at codon 840 of the RB1 protein. Computational prediction suggests that this variant may have deleterious impact on protein structure and function (internally defined REVEL score threshold >= 0.7, PMID: 27666373). To our knowledge, functional studies have not been reported for this variant. This variant has not been reported in individuals affected with RB1-related disorders in the literature. This variant has not been identified in the general population by the Genome Aggregation Database (gnomAD). The available evidence is insufficient to determine the role of this variant in disease conclusively. Therefore, this variant is classified as a Variant of Uncertain Significance.

This study involves interpretation of variants in research participants for the purpose of population health screening. Participant phenotype was not available at the time of variant classification. Additional details can be found in publication PMID: 35346344, PMCID: PMC8962531

GeneDx
Classification: Uncertain significance. Last evaluated: 2023-10-16. Review status: criteria provided, single submitter. Criteria: GeneDx Variant Classification Process June 2021. Collection method: clinical testing. Allele origin: germline. Affected: yes.
Comment: Not observed at significant frequency in large population cohorts (gnomAD); In silico analysis supports that this missense variant does not alter protein structure/function; Has not been previously published as pathogenic or benign to our knowledge; This variant is associated with the following publications: (PMID: 33868464, 23516486)

NM_000321.3(RB1):c.2518G>C (p.Gly840Arg)

Gene: RB1 (RB transcriptional corepressor 1; plus strand). Cytogenetic location: 13q14.2.
Variant type: single nucleotide variant.
Coding change: c.2518G>C on transcript NM_000321.3 (MANE Select); coding-DNA position 2518, G replaced by C.
Protein change: p.Gly840Arg; replaces glycine 840 with arginine.
Molecular consequence: missense variant.
Genome position (GRCh38, 1-based): chr13:48,473,388, G>C. VCF-style: chr13-48473388-G-C. GRCh37 (hg19) VCF-style: chr13-49047524-G-C.
Other names: short protein forms G840R.
Identifiers: ClinVar variation 837445 (VCV000837445.15), dbSNP rs374157786, ClinGen allele CA388168162.